The following is an entry in ClinVar:

NM_015294.6(TRIM37):c.296A>G (p.His99Arg)

Gene: TRIM37 (tripartite motif containing 37; minus strand). Cytogenetic location: 17q22.
Variant type: single nucleotide variant.
Coding change: c.296A>G on transcript NM_015294.6 (MANE Select); coding-DNA position 296, A replaced by G.
Protein change: p.His99Arg; replaces histidine 99 with arginine.
Molecular consequence: missense variant. On other transcripts: 5 prime UTR variant (2), non-coding transcript variant (2), intron variant (1).
Genome position (GRCh38, 1-based): chr17:59,084,075, T>C on the plus strand (A>G on the coding strand, the complement: TRIM37 is on the minus strand). VCF-style: chr17-59084075-T-C. GRCh37 (hg19) VCF-style: chr17-57161436-T-C.
Other names: p.His99Arg; c.194A>G, p.His65Arg (NM_001320987.3, NM_001353082.2); c.296A>G, p.His99Arg (NM_001320988.3, NM_001005207.5, NM_001320989.3 and 2 more transcripts); c.-71A>G (NM_001320990.3); c.-457A>G (NM_001353083.2); c.-93-2856A>G (NM_001353085.2); short protein forms H99R, H65R.
Identifiers: ClinVar variation 2366962 (VCV002366962.4), dbSNP rs143241826, ClinGen allele CA8678651.

ClinVar aggregate classification (germline): Uncertain significance. Review status: criteria provided, multiple submitters, no conflicts (2 of 4 stars). 3 submissions from 3 submitters: Uncertain significance (3). Last evaluated 2024-06-10.

Conditions:
Inborn genetic diseases. Identifiers: MedGen C0950123, MeSH D030342.
Mulibrey nanism syndrome. Also called: MUSCLE-LIVER-BRAIN-EYE NANISM; PERHEENTUPA SYNDROME; PERICARDIAL CONSTRICTION AND GROWTH FAILURE. Identifiers: Orphanet 2576, MedGen C0524582, MONDO:0009664, OMIM 253250.

Allele frequency attached by ClinVar (database versions not stated): ExAC 0.00005; gnomAD 0.00008; TOPMed 0.00010; ESP Exome Variant Server 0.00023.
gnomAD v4.1: 33 of 1,612,930 alleles (0.002%); highest among the groups gnomAD compares: African/African-American, 0.036%; no homozygotes.

Submissions (3):

St. Jude Molecular Pathology, St. Jude Children's Research Hospital
Classification: Uncertain significance for Mulibrey nanism syndrome. Last evaluated: 2024-06-10. Review status: criteria provided, single submitter. Criteria: St. Jude Assertion Criteria 2020. Collection method: clinical testing. Allele origin: germline.
Comment: The TRIM37 c.296A>G (p.His99Arg) missense change has a maximum subpopulation frequency of 0.052% in gnomAD v2.1.1. The in silico tool REVEL predicts a benign effect on protein function, but this prediction has not been confirmed by functional studies. This variant has not been reported in individuals with TRIM37-related disease. In summary, the evidence currently available is insufficient to determine the clinical significance of this variant. It has therefore been classified as of uncertain significance.

Mayo Clinic Laboratories, Mayo Clinic
Classification: Uncertain significance. Last evaluated: 2023-03-01. Review status: criteria provided, single submitter. Criteria: ACMG Guidelines, 2015. Collection method: clinical testing. Allele origin: germline. Observed: 1 variant allele.
Comment: BP4, PM2

Ambry Genetics
Classification: Uncertain significance for Inborn genetic diseases. Last evaluated: 2021-07-09. Review status: criteria provided, single submitter. Criteria: Ambry Variant Classification Scheme 2023. Collection method: clinical testing. Allele origin: germline.